The following is an entry in ClinVar:

NM_001270974.2(HYDIN):c.11632A>C (p.Thr3878Pro)

Gene: HYDIN (HYDIN axonemal central pair apparatus protein; minus strand). Cytogenetic location: 16q22.2.
Variant type: single nucleotide variant.
Coding change: c.11632A>C on transcript NM_001270974.2 (MANE Select); coding-DNA position 11632, A replaced by C.
Protein change: p.Thr3878Pro; replaces threonine 3878 with proline.
Molecular consequence: missense variant.
Genome position (GRCh38, 1-based): chr16:70,862,193, T>G on the plus strand (A>C on the coding strand, the complement: HYDIN is on the minus strand). VCF-style: chr16-70862193-T-G. GRCh37 (hg19) VCF-style: chr16-70896096-T-G.
Other names: short protein forms T3878P.
Identifiers: ClinVar variation 2646705 (VCV002646705.24), dbSNP rs1353954331, ClinGen allele CA396607205.

ClinVar aggregate classification (germline): Uncertain significance (1 of 4 stars; one submission).

Submission:

CeGaT Center for Human Genetics Tuebingen
Classification: Uncertain significance. Last evaluated: 2023-03-01. Review status: criteria provided, single submitter. Criteria: CeGaT Center For Human Genetics Tuebingen Variant Classification Criteria Version 2. Collection method: clinical testing. Allele origin: germline. Affected: yes. Observed: 1 variant allele.
Comment: HYDIN: PM2, BP4